The following is an entry in ClinVar:

NM_001322934.2(NFKB2):c.2560G>A (p.Asp854Asn)

Gene: NFKB2 (nuclear factor kappa B subunit 2; plus strand). Cytogenetic location: 10q24.32.
Variant type: single nucleotide variant.
Coding change: c.2560G>A on transcript NM_001322934.2 (MANE Select); coding-DNA position 2560, G replaced by A.
Protein change: p.Asp854Asn; replaces aspartic acid 854 with asparagine.
Molecular consequence: missense variant.
Genome position (GRCh38, 1-based): chr10:102,402,141, G>A. VCF-style: chr10-102402141-G-A. GRCh37 (hg19) VCF-style: chr10-104161898-G-A.
Other names: c.2560G>A, p.Asp854Asn (NM_001077494.3, NM_001261403.3, NM_001288724.1 and 1 more transcripts); c.2434G>A, p.Asp812Asn (NM_001322935.1); short protein forms D854N, D812N.
Identifiers: ClinVar variation 4701818 (VCV004701818.1).

ClinVar aggregate classification (germline): Uncertain significance (1 of 4 stars; one submission).

Conditions:
Immunodeficiency, common variable, 10. Also called: IMMUNODEFICIENCY, COMMON VARIABLE, WITH CENTRAL ADRENAL INSUFFICIENCY; DEFICIT IN ANTERIOR PITUITARY FUNCTION AND VARIABLE IMMUNODEFICIENCY. Identifiers: MedGen C3809991, MONDO:0014260, OMIM 615577.

Submission:

Labcorp Genetics (formerly Invitae), Labcorp
Classification: Uncertain significance for Immunodeficiency, common variable, 10. Last evaluated: 2025-04-21. Review status: criteria provided, single submitter. Criteria: Invitae Variant Classification Sherloc (09022015). Collection method: clinical testing. Allele origin: germline.
Comment: This sequence change replaces aspartic acid, which is acidic and polar, with asparagine, which is neutral and polar, at codon 854 of the NFKB2 protein (p.Asp854Asn). This variant is not present in population databases (gnomAD no frequency). This variant has not been reported in the literature in individuals affected with NFKB2-related conditions. An algorithm developed to predict the effect of missense changes on protein structure and function (PolyPhen-2) suggests that this variant is likely to be tolerated. In summary, the available evidence is currently insufficient to determine the role of this variant in disease. Therefore, it has been classified as a Variant of Uncertain Significance.